The following is an entry in ClinVar:

ClinVar aggregate classification (germline): Uncertain significance (1 of 4 stars; one submission).

Submission:

Labcorp Genetics (formerly Invitae), Labcorp
Classification: Uncertain significance. Last evaluated: 2024-11-15. Review status: criteria provided, single submitter. Criteria: Invitae Variant Classification Sherloc (09022015). Collection method: clinical testing. Allele origin: germline.
Comment: This sequence change creates a premature translational stop signal (p.Phe18Leufs*3) in the ATP6V1E1 gene. It is expected to result in an absent or disrupted protein product. However, the current clinical and genetic evidence is not sufficient to establish whether loss-of-function variants in ATP6V1E1 cause disease. This variant is not present in population databases (gnomAD no frequency). This variant has not been reported in the literature in individuals affected with ATP6V1E1-related conditions. In summary, the available evidence is currently insufficient to determine the role of this variant in disease. Therefore, it has been classified as a Variant of Uncertain Significance.

NM_001696.4(ATP6V1E1):c.53_54insA (p.Phe18fs)

Gene: ATP6V1E1 (ATPase H+ transporting V1 subunit E1; minus strand). Cytogenetic location: 22q11.21.
Variant type: Insertion.
Coding change: c.53_54insA on transcript NM_001696.4 (MANE Select); coding-DNA positions 53 to 54, A inserted.
Protein change: p.Phe18fs; shifts the reading frame from phenylalanine 18.
Molecular consequence: frameshift variant. On other transcripts: intron variant (1).
Genome position: GRCh38 VCF-style: chr22-17619506-G-GT. GRCh37 (hg19) VCF-style: chr22-18102272-G-GT.
Other names: c.53_54insA, p.Phe18fs (NM_001039367.1); c.34-6187_34-6186insA (NM_001039366.1); short protein forms F18fs.
Identifiers: ClinVar variation 3725326 (VCV003725326.2).